The following is an entry in ClinVar:

NM_000478.6(ALPL):c.863-7T>C

Gene: ALPL (alkaline phosphatase, biomineralization associated; plus strand). Cytogenetic location: 1p36.12.
Variant type: single nucleotide variant.
Coding change: c.863-7T>C on transcript NM_000478.6 (MANE Select); 7 bases into the intron before coding-DNA position 863, T replaced by C.
Molecular consequence: intron variant.
Genome position (GRCh38, 1-based): chr1:21,573,658, T>C. VCF-style: chr1-21573658-T-C. GRCh37 (hg19) VCF-style: chr1-21900151-T-C.
Other names: p.?; c.863-7T>C (NM_001369805.2, NM_001369804.2, NM_001369803.2); c.698-7T>C (NM_001127501.4); c.632-7T>C (NM_001177520.3).
Identifiers: ClinVar variation 256237 (VCV000256237.33), dbSNP rs74063111, ClinGen allele CA666664.

ClinVar aggregate classification (germline): Benign. Review status: criteria provided, multiple submitters, no conflicts (2 of 4 stars). 16 submissions from 14 submitters: Benign (13). 3 of the submissions do not count toward it. Last evaluated 2026-02-12.

Conditions:
Hypophosphatasia. Also called: Phosphoethanol-aminuria. Identifiers: Orphanet 436, MedGen C0020630, MeSH D007014, MONDO:0018570.
Adult hypophosphatasia. Identifiers: Orphanet 247676, Orphanet 436, MedGen C0268413, MONDO:1010154, OMIM 146300, MONDO:0007798.
Childhood hypophosphatasia. Identifiers: Orphanet 247667, Orphanet 436, MedGen C0220743, MONDO:1010168, OMIM 241510, MONDO:0009428.
Infantile hypophosphatasia. Identifiers: Orphanet 247651, Orphanet 436, MedGen C0268412, MONDO:1010169, OMIM 241500, MONDO:0009427.

Allele frequency attached by ClinVar (database versions not stated): ESP Exome Variant Server 0.13048; gnomAD exomes 0.13792 and 0.17648; gnomAD 0.17114 and 0.17623; ExAC 0.17211; TOPMed 0.18283; 1000 Genomes Project 30x 0.25578; 1000 Genomes Project 0.25799.
gnomAD v4.1: 228,594 of 1,609,668 alleles (14%); highest among the groups gnomAD compares: East Asian, 50%; 21,059 homozygotes.

Submissions (16):

JKU Lab, Dept of Paediatrics, Johannes Kepler University
Classification: Benign for Hypophosphatasia. Last evaluated: 2026-02-12. Review status: criteria provided, single submitter. Criteria: ACMG Guidelines, 2015. Collection method: curation. Allele origin: germline. Affected: yes.
Comment: This intronic variant is present in GnomAD 4.1 (f = 14.2%). The REVEL score is not applicable. Splice-prediction algorithms predict no effect on splicing. This variant has been reported in the literature in individuals affected with ALPL-related conditions (PMID:34213743).

Labcorp Genetics (formerly Invitae), Labcorp
Classification: Benign. Last evaluated: 2026-02-04. Review status: criteria provided, single submitter. Criteria: Invitae Variant Classification Sherloc (09022015). Collection method: clinical testing. Allele origin: germline.

Genomenon, Inc
Classification: Benign for Hypophosphatasia. Last evaluated: 2025-08-29. Review status: criteria provided, single submitter. Criteria: Genomenon Sequence Variant Interpretation Standards. Collection method: curation. Allele origin: germline. Affected: no.
Comment: ALPL c.863-7T>C is an intronic variant located in intron 8. This variant is present at high allele frequency in population databases. In conclusion, we classify ALPL c.863-7T>C as a benign variant.

Blueprint Genetics
Classification: Benign. Last evaluated: 2024-11-26. Review status: criteria provided, single submitter. Criteria: ACMG Guidelines, 2015. Collection method: clinical testing. Allele origin: germline.

Mayo Clinic Laboratories, Mayo Clinic
Classification: Benign. Last evaluated: 2022-04-26. Review status: criteria provided, single submitter. Criteria: ACMG Guidelines, 2015. Collection method: clinical testing. Allele origin: germline. Observed: 69 variant alleles.

Genome-Nilou Lab
Classification: Benign for Infantile hypophosphatasia. Last evaluated: 2021-07-01. Review status: criteria provided, single submitter. Criteria: ACMG Guidelines, 2015. Collection method: clinical testing. Allele origin: germline. Affected: no.

Genome-Nilou Lab
Classification: Benign for Childhood hypophosphatasia. Last evaluated: 2021-07-01. Review status: criteria provided, single submitter. Criteria: ACMG Guidelines, 2015. Collection method: clinical testing. Allele origin: germline. Affected: no.

Genome-Nilou Lab
Classification: Benign for Adult hypophosphatasia. Last evaluated: 2021-07-01. Review status: criteria provided, single submitter. Criteria: ACMG Guidelines, 2015. Collection method: clinical testing. Allele origin: germline. Affected: no.

GeneDx
Classification: Benign. Last evaluated: 2018-08-20. Review status: criteria provided, single submitter. Criteria: GeneDx Variant Classification Process June 2021. Collection method: clinical testing. Allele origin: germline. Affected: yes.

Illumina Laboratory Services, Illumina
Classification: Benign for Hypophosphatasia. Last evaluated: 2018-01-13. Review status: criteria provided, single submitter. Criteria: ICSL Variant Classification Criteria 13 December 2019. Collection method: clinical testing. Allele origin: germline.
Comment: This variant was observed in the ICSL laboratory as part of a predisposition screen in an ostensibly healthy population. It had not been previously curated by ICSL or reported in the Human Gene Mutation Database (HGMD: prior to June 1st, 2018), and was therefore a candidate for classification through an automated scoring system. Utilizing variant allele frequency, disease prevalence and penetrance estimates, and inheritance mode, an automated score was calculated to assess if this variant is too frequent to cause the disease. Based on the score and internal cut-off values, a variant classified as benign is not then subjected to further curation. The score for this variant resulted in a classification of benign for this disease.

Eurofins Ntd Llc (ga)
Classification: Benign. Last evaluated: 2016-10-17. Review status: criteria provided, single submitter. Criteria: EGL Classification Definitions 2015. Collection method: clinical testing. Allele origin: germline. Observed: 2 variant alleles, 2 heterozygotes.

Breakthrough Genomics
Classification: Benign. Review status: criteria provided, single submitter. Criteria: ACMG Guidelines, 2015. Collection method: not provided. Allele origin: germline. Inheritance: Autosomal recessive inheritance. Affected: yes.

PreventionGenetics, part of Exact Sciences
Classification: Benign. Review status: criteria provided, single submitter. Criteria: ACMG Guidelines, 2015. Collection method: clinical testing. Allele origin: germline.

Natera, Inc.
Classification: Benign for Hypophosphatasia. Last evaluated: 2019-11-20. Review status: no assertion criteria provided. Collection method: clinical testing. Allele origin: germline. Not counted in ClinVar's aggregate classification.

Clinical Genetics DNA and cytogenetics Diagnostics Lab, Erasmus MC, Erasmus Medical Center
Classification: Benign. Review status: no assertion criteria provided. Collection method: clinical testing. Allele origin: germline. Affected: yes. Study: VKGL Data-share Consensus. Not counted in ClinVar's aggregate classification.

Genome Diagnostics Laboratory, Amsterdam University Medical Center
Classification: Benign. Review status: no assertion criteria provided. Collection method: clinical testing. Allele origin: germline. Affected: yes. Study: VKGL Data-share Consensus. Not counted in ClinVar's aggregate classification.

Literature cited by the submitters: PubMed 34213743 (cited by JKU Lab, Dept of Paediatrics, Johannes Kepler University).